The following is an entry in ClinVar:

NM_020987.5(ANK3):c.3527G>A (p.Arg1176Gln)

Gene: ANK3 (ankyrin 3; minus strand). Cytogenetic location: 10q21.2.
Variant type: single nucleotide variant.
Coding change: c.3527G>A on transcript NM_020987.5 (MANE Select); coding-DNA position 3527, G replaced by A.
Protein change: p.Arg1176Gln; replaces arginine 1176 with glutamine.
Molecular consequence: missense variant.
Genome position (GRCh38, 1-based): chr10:60,088,160, C>T on the plus strand (G>A on the coding strand, the complement: ANK3 is on the minus strand). VCF-style: chr10-60088160-C-T. GRCh37 (hg19) VCF-style: chr10-61847918-C-T.
Other names: c.929G>A, p.Arg310Gln (NM_001149.4); c.3509G>A, p.Arg1170Gln (NM_001204403.2); c.3530G>A, p.Arg1177Gln (NM_001204404.2); c.3527G>A, p.Arg1176Gln (NM_001320874.2); short protein forms R1170Q, R1176Q, R310Q, R1177Q.
Identifiers: ClinVar variation 391959 (VCV000391959.2), dbSNP rs1057524303, ClinGen allele CA16605889.

ClinVar aggregate classification (germline): Uncertain significance (1 of 4 stars; one submission).

Allele frequency attached by ClinVar (database versions not stated): TOPMed below 0.00001; gnomAD exomes 0.00001.
gnomAD v4.1: 5 of 1,614,086 alleles (0.00031%); highest among the groups gnomAD compares: Non-Finnish European, 0.00042%; no homozygotes.

Submission:

GeneDx
Classification: Uncertain significance. Last evaluated: 2017-01-10. Review status: criteria provided, single submitter. Criteria: GeneDx Variant Classification (06012015). Collection method: clinical testing. Allele origin: germline. Affected: yes.
Comment: The R1176Q variant in the ANK3 gene has not been reported previously as a pathogenic variant, nor as a benign variant, to our knowledge. This variant was not observed in approximately 6500 individuals of European and African American ancestry in the NHLBI Exome Sequencing Project, indicating it is not a common benign variant in these populations. The R1176Q variant is a semi-conservative amino acid substitution, which may impact secondary protein structure as these residues differ in some properties. This substitution occurs at a position that is conserved across species, and in silico analysis predicts this variant is probably damaging to the protein structure/function. We interpret R1176Q as a variant of uncertain significance.